The following is an entry in ClinVar:

NM_201384.3(PLEC):c.4397G>A (p.Arg1466His)

Gene: PLEC (plectin; minus strand). Cytogenetic location: 8q24.3.
Variant type: single nucleotide variant.
Coding change: c.4397G>A on transcript NM_201384.3 (MANE Select); coding-DNA position 4397, G replaced by A.
Protein change: p.Arg1466His; replaces arginine 1466 with histidine.
Molecular consequence: missense variant.
Genome position (GRCh38, 1-based): chr8:143,925,532, C>T on the plus strand (G>A on the coding strand, the complement: PLEC is on the minus strand). VCF-style: chr8-143925532-C-T. GRCh37 (hg19) VCF-style: chr8-144999700-C-T.
Other names: c.4478G>A (NM_000445.3); c.4478G>A, p.Arg1493His (NM_000445.5); c.4355G>A, p.Arg1452His (NM_201378.4); c.4331G>A, p.Arg1444His (NM_201379.3); c.4808G>A, p.Arg1603His (NM_201380.4); c.4301G>A, p.Arg1434His (NM_201381.3); c.4397G>A, p.Arg1466His (NM_201382.4); c.4409G>A, p.Arg1470His (NM_201383.3); short protein forms R1434H, R1444H, R1452H, R1466H, R1470H, R1493H, R1603H.
Identifiers: ClinVar variation 497857 (VCV000497857.16), dbSNP rs367724538, ClinGen allele CA4926674.

ClinVar aggregate classification (germline): Uncertain significance. Review status: criteria provided, multiple submitters, no conflicts (2 of 4 stars). 5 submissions from 5 submitters: Uncertain significance (5). Last evaluated 2026-09-22.

Conditions:
Autosomal recessive limb-girdle muscular dystrophy type 2Q (LGMDR17). Also called: MUSCULAR DYSTROPHY, LIMB-GIRDLE, AUTOSOMAL RECESSIVE 17. Identifiers: Orphanet 254361, MedGen C3150989, MONDO:0013390, OMIM 613723.
Epidermolysis bullosa simplex 5B, with muscular dystrophy (EBS5B). Also called: EPIDERMOLYSIS BULLOSA SIMPLEX AND LIMB-GIRDLE MUSCULAR DYSTROPHY; Epidermolysis bullosa simplex with muscular dystrophy. Identifiers: Orphanet 257, MedGen C2931072, MONDO:0009181, OMIM 226670.
Epidermolysis bullosa simplex, Ogna type (EBS5A). Also called: Pidermolysis bullosa simplex 5A, Ogna type; EPIDERMOLYSIS BULLOSA SIMPLEX 5A, OGNA TYPE. Identifiers: Orphanet 79401, MedGen C0432317, MONDO:0007555, OMIM 131950.
Epidermolysis bullosa simplex with nail dystrophy (EBS5D). Identifiers: MedGen C4225309, MONDO:0014661, OMIM 616487.
Epidermolysis bullosa simplex 5C, with pyloric atresia (EBS5C). Also called: PLEC-Related Epidermolysis Bullosa with Pyloric Atresia; Epidermolysis bullosa simplex with pyloric atresia; PLEC1-Related Epidermolysis Bullosa with Pyloric Atresia. Identifiers: Orphanet 158684, MedGen C2677349, MONDO:0012807, OMIM 612138.
PLEC-related disorder. Also called: PLEC-related disorders; PLEC-related condition.
Inborn genetic diseases. Identifiers: MedGen C0950123, MeSH D030342.

Allele frequency attached by ClinVar (database versions not stated): ExAC 0.00001; gnomAD exomes 0.00003 and 0.00004; gnomAD 0.00008; ESP Exome Variant Server 0.00009; TOPMed 0.00009; 1000 Genomes Project 30x 0.00016.
gnomAD v4.1: 60 of 1,595,102 alleles (0.0038%); highest among the groups gnomAD compares: Admixed American, 0.027%; no homozygotes.

Submissions (5):

PreventionGenetics, part of Exact Sciences
Classification: Uncertain significance for PLEC-related condition. Last evaluated: 2026-09-22. Review status: criteria provided, single submitter. Criteria: ACMG Guidelines, 2015. Collection method: clinical testing. Allele origin: germline.
Comment: The PLEC c.4478G>A variant is predicted to result in the amino acid substitution p.Arg1493His. To our knowledge, this variant has not been reported in the literature. This variant is reported in 0.012% of alleles in individuals of Latino descent in gnomAD. At this time, the clinical significance of this variant is uncertain due to the absence of conclusive functional and genetic evidence.

Ambry Genetics
Classification: Uncertain significance for Inborn genetic diseases. Last evaluated: 2025-05-17. Review status: criteria provided, single submitter. Criteria: Ambry Variant Classification Scheme 2023. Collection method: clinical testing. Allele origin: germline.

Labcorp Genetics (formerly Invitae), Labcorp
Classification: Uncertain significance for Autosomal recessive limb-girdle muscular dystrophy type 2Q; Epidermolysis bullosa simplex, Ogna type; Epidermolysis bullosa simplex with nail dystrophy; Epidermolysis bullosa simplex 5C, with pyloric atresia; Epidermolysis bullosa simplex 5B, with muscular dystrophy. Last evaluated: 2025-03-19. Review status: criteria provided, single submitter. Criteria: Invitae Variant Classification Sherloc (09022015). Collection method: clinical testing. Allele origin: germline.
Comment: This sequence change replaces arginine, which is basic and polar, with histidine, which is basic and polar, at codon 1493 of the PLEC protein (p.Arg1493His). This variant is present in population databases (rs367724538, gnomAD 0.01%). This variant has not been reported in the literature in individuals affected with PLEC-related conditions. ClinVar contains an entry for this variant (Variation ID: 497857). Invitae Evidence Modeling of protein sequence and biophysical properties (such as structural, functional, and spatial information, amino acid conservation, physicochemical variation, residue mobility, and thermodynamic stability) indicates that this missense variant is not expected to disrupt PLEC protein function with a negative predictive value of 80%. In summary, the available evidence is currently insufficient to determine the role of this variant in disease. Therefore, it has been classified as a Variant of Uncertain Significance.

Revvity Omics, Revvity
Classification: Uncertain significance. Last evaluated: 2022-01-24. Review status: criteria provided, single submitter. Criteria: ACMG Guidelines, 2015. Collection method: clinical testing. Allele origin: germline.

Eurofins Ntd Llc (ga)
Classification: Uncertain significance. Last evaluated: 2018-06-15. Review status: criteria provided, single submitter. Criteria: EGL ClinVar v180209 classification definitions. Collection method: clinical testing. Allele origin: germline. Observed: 2 variant alleles, 2 heterozygotes.